The following is an entry in ClinVar:

NM_000138.5(FBN1):c.6155G>C (p.Arg2052Thr)

Gene: FBN1 (fibrillin 1; minus strand). Cytogenetic location: 15q21.1.
Variant type: single nucleotide variant.
Coding change: c.6155G>C on transcript NM_000138.5 (MANE Select); coding-DNA position 6155, G replaced by C.
Protein change: p.Arg2052Thr; replaces arginine 2052 with threonine.
Molecular consequence: missense variant.
Genome position (GRCh38, 1-based): chr15:48,441,729, C>G on the plus strand (G>C on the coding strand, the complement: FBN1 is on the minus strand). VCF-style: chr15-48441729-C-G. GRCh37 (hg19) VCF-style: chr15-48733926-C-G.
Other names: c.6155G>C, p.Arg2052Thr (NM_001406716.1); short protein forms R2052T.
Identifiers: ClinVar variation 3251279 (VCV003251279.3), dbSNP rs1452793240.

ClinVar aggregate classification (germline): Uncertain significance. Review status: criteria provided, multiple submitters, no conflicts (2 of 4 stars). 2 submissions from 2 submitters: Uncertain significance (2). Last evaluated 2024-08-28.

Conditions:
Marfan syndrome (MFS). Also called: MARFAN SYNDROME, TYPE I; Marfan syndrome type 1; Marfan's syndrome; Marfan syndrome, classic; FBN1-Related Marfan Syndrome. Identifiers: Orphanet 284963, Orphanet 558, MedGen C0024796, MONDO:0007947, OMIM 154700.
Familial thoracic aortic aneurysm and aortic dissection (TAAD). Also called: Thoracic aortic aneurysms and dissections. Identifiers: Orphanet 91387, MedGen C4707243, MONDO:0019625.

Submissions (2):

Labcorp Genetics (formerly Invitae), Labcorp
Classification: Uncertain significance for Marfan syndrome; Familial thoracic aortic aneurysm and aortic dissection. Last evaluated: 2024-08-28. Review status: criteria provided, single submitter. Criteria: Invitae Variant Classification Sherloc (09022015). Collection method: clinical testing. Allele origin: germline.
Comment: This sequence change replaces arginine, which is basic and polar, with threonine, which is neutral and polar, at codon 2052 of the FBN1 protein (p.Arg2052Thr). This variant is not present in population databases (gnomAD no frequency). This variant has not been reported in the literature in individuals affected with FBN1-related conditions. Invitae Evidence Modeling of protein sequence and biophysical properties (such as structural, functional, and spatial information, amino acid conservation, physicochemical variation, residue mobility, and thermodynamic stability) indicates that this missense variant is not expected to disrupt FBN1 protein function with a negative predictive value of 95%. In summary, the available evidence is currently insufficient to determine the role of this variant in disease. Therefore, it has been classified as a Variant of Uncertain Significance.

Women's Health and Genetics/Laboratory Corporation of America, LabCorp
Classification: Uncertain significance. Last evaluated: 2024-04-15. Review status: criteria provided, single submitter. Criteria: LabCorp Variant Classification Summary - May 2015. Collection method: clinical testing. Allele origin: germline.
Comment: Variant summary: FBN1 c.6155G>C (p.Arg2052Thr) results in a non-conservative amino acid change located in the EGF-like domain (IPR000742) of the encoded protein sequence. Three of five in-silico tools predict a benign effect of the variant on protein function. The variant was absent in 251032 control chromosomes (gnomAD). The available data on variant occurrences in the general population are insufficient to allow any conclusion about variant significance. To our knowledge, no occurrence of c.6155G>C in individuals affected with Marfan Syndrome and no experimental evidence demonstrating its impact on protein function have been reported. No submitters have cited clinical-significance assessments for this variant to ClinVar. Based on the evidence outlined above, the variant was classified as uncertain significance.